The following is an entry in ClinVar:

ClinVar aggregate classification (germline): Pathogenic (1 of 4 stars; one submission).

Submission:

Labcorp Genetics (formerly Invitae), Labcorp
Classification: Pathogenic. Last evaluated: 2021-07-19. Review status: criteria provided, single submitter. Criteria: Invitae Variant Classification Sherloc (09022015). Collection method: clinical testing. Allele origin: germline.
Comment: A gross deletion of the genomic region encompassing the full coding sequence of the HSD3B2 gene has been identified. The boundaries of this event are unknown as the deletion extends beyond the assayed region for this gene and therefore may encompass additional genes. This variant has not been reported in the literature in individuals with HSD3B2-related conditions. Loss-of-function variants in HSD3B2 are known to be pathogenic (PMID: 1196451). For these reasons, this variant has been classified as Pathogenic.

Literature cited by the submitters: PubMed 1196451.

NC_000001.11:g.(?_119415410)_(119422630_?)del

Gene: HSD3B2 (hydroxy-delta-5-steroid dehydrogenase, 3 beta- and steroid delta-isomerase 2; plus strand). Cytogenetic location: 1p12.
Variant type: Deletion.
Identifiers: ClinVar variation 832762 (VCV000832762.4).